The following is an entry in ClinVar:

NM_005591.4(MRE11):c.1096C>T (p.Arg366Ter)

Gene: MRE11 (MRE11 double strand break repair nuclease; minus strand). Cytogenetic location: 11q21.
Variant type: single nucleotide variant.
Coding change: c.1096C>T on transcript NM_005591.4 (MANE Select); coding-DNA position 1096, C replaced by T.
Protein change: p.Arg366Ter; replaces arginine 366 with a stop codon.
Molecular consequence: nonsense.
Genome position (GRCh38, 1-based): chr11:94,467,815, G>A on the plus strand (C>T on the coding strand, the complement: MRE11 is on the minus strand). VCF-style: chr11-94467815-G-A. GRCh37 (hg19) VCF-style: chr11-94200981-G-A.
Other names: c.1096C>T, p.Arg366Ter (NM_001330347.2, NM_005590.4); short protein forms R366*.
Identifiers: ClinVar variation 1681596 (VCV001681596.11), dbSNP rs372411821, ClinGen allele CA382373634.

ClinVar aggregate classification (germline): Pathogenic/Likely pathogenic. Review status: criteria provided, multiple submitters, no conflicts (2 of 4 stars). 3 submissions from 3 submitters: Pathogenic (2); Likely pathogenic (1). Last evaluated 2023-12-23.

Conditions:
Ataxia-telangiectasia-like disorder (ATLD). Identifiers: MedGen C1858391, MONDO:0011457.
Hereditary cancer-predisposing syndrome. Also called: Hereditary neoplastic syndrome; Neoplastic Syndromes, Hereditary; Tumor predisposition; Hereditary Cancer Syndrome. Identifiers: Orphanet 140162, MedGen C0027672, MeSH D009386, MONDO:0015356.
Ataxia-telangiectasia-like disorder 1 (ATLD1). Identifiers: Orphanet 251347, MedGen C4012790, MONDO:0024557, OMIM 604391.

Allele frequency attached by ClinVar (database versions not stated): gnomAD 0.00001.
gnomAD v4.1: 9 of 1,607,808 alleles (0.00056%); highest among the groups gnomAD compares: South Asian, 0.0033%; no homozygotes.

Submissions (3):

Baylor Genetics
Classification: Likely pathogenic for Ataxia-telangiectasia-like disorder 1. Last evaluated: 2023-12-23. Review status: criteria provided, single submitter. Criteria: ACMG Guidelines, 2015. Collection method: clinical testing. Allele origin: unknown.

Ambry Genetics
Classification: Pathogenic for Hereditary cancer-predisposing syndrome. Last evaluated: 2023-07-07. Review status: criteria provided, single submitter. Criteria: Ambry Variant Classification Scheme 2023. Collection method: clinical testing. Allele origin: germline.
Comment: The p.R366* pathogenic mutation (also known as c.1096C>T), located in coding exon 9 of the MRE11A gene, results from a C to T substitution at nucleotide position 1096. This changes the amino acid from an arginine to a stop codon within coding exon 9. This mutation has been identified in a cohort of high-risk breast/ovarian cancer patients (Cast&eacute;ra L et al. Eur. J. Hum. Genet., 2014 Nov;22:1305-13). In addition to the published data, this alteration is expected to result in loss of function by premature protein truncation or nonsense-mediated mRNA decay. As such, this alteration is interpreted as a disease-causing mutation.

Labcorp Genetics (formerly Invitae), Labcorp
Classification: Pathogenic for Ataxia-telangiectasia-like disorder. Last evaluated: 2021-04-20. Review status: criteria provided, single submitter. Criteria: Invitae Variant Classification Sherloc (09022015). Collection method: clinical testing. Allele origin: germline.
Comment: This sequence change creates a premature translational stop signal (p.Arg366*) in the MRE11 gene. It is expected to result in an absent or disrupted protein product. Loss-of-function variants in MRE11 are known to be pathogenic (PMID: 23080121, 23912341). This variant is not present in population databases (ExAC no frequency). For these reasons, this variant has been classified as Pathogenic. Algorithms developed to predict the effect of sequence changes on RNA splicing suggest that this variant may create or strengthen a splice site, but this prediction has not been confirmed by published transcriptional studies. This variant has been observed in individual(s) with a personal and/or family history of breast and/or ovarian cancer (PMID: 24549055).

Literature cited by the submitters: PubMed 24549055 (cited by Ambry Genetics and Labcorp Genetics (formerly Invitae), Labcorp); PubMed 23080121 (cited by Labcorp Genetics (formerly Invitae), Labcorp); PubMed 23912341 (cited by Labcorp Genetics (formerly Invitae), Labcorp).